The following is an entry in ClinVar:

NM_001083962.2(TCF4):c.1422del (p.Pro475fs)

Gene: TCF4 (transcription factor 4; minus strand). Cytogenetic location: 18q21.2.
Variant type: Deletion.
Coding change: c.1422del on transcript NM_001083962.2 (MANE Select); coding-DNA position 1422, one base deleted (T; older notation c.1422delT).
Protein change: p.Pro475fs; shifts the reading frame from proline 475.
Molecular consequence: frameshift variant.
Genome position (GRCh38, 1-based): chr18:55,234,612, A deleted on the plus strand (T on the coding strand, the reverse complement: TCF4 is on the minus strand); the first of 2 consecutive A bases (chr18:55,234,612-55,234,613); deleting either gives the same sequence. VCF-style (leftmost placement, unchanged base first): chr18-55234611-GA-G. GRCh37 (hg19) VCF-style: chr18-52901842-GA-G.
Other names: c.1350del, p.Pro451fs (NM_001369575.1, NM_001348217.1, NM_001348218.2 and 5 more transcripts); c.939del, p.Pro314fs (NM_001348214.2); c.774del, p.Pro259fs (NM_001348215.2); c.942del, p.Pro315fs (NM_001348216.2, NM_001243234.2, NM_001243235.2 and 1 more transcripts); c.1347del, p.Pro450fs (NM_001348220.1, NM_001369576.1, NM_001369577.1 and 6 more transcripts); c.1422del, p.Pro475fs (NM_001369567.1, NM_001369568.1, NM_001369571.1 and 2 more transcripts); c.1419del, p.Pro474fs (NM_001369569.1, NM_001369570.1, NM_001369573.1 and 2 more transcripts); c.1728del, p.Pro577fs (NM_001243226.3); and 6 more; short protein forms P315fs, P452fs, P433fs, P475fs, P481fs, P259fs, P472fs, P474fs.
Identifiers: ClinVar variation 2693136 (VCV002693136.3), dbSNP rs2511634823, ClinGen allele CA2697555544.

ClinVar aggregate classification (germline): Pathogenic (1 of 4 stars; one submission).

Conditions:
Pitt-Hopkins syndrome (PTHS). Also called: ENCEPHALOPATHY, SEVERE EPILEPTIC, WITH AUTONOMIC DYSFUNCTION; MENTAL RETARDATION, SYNDROMAL, WITH INTERMITTENT HYPERVENTILATION. Identifiers: Orphanet 2896, MedGen C1970431, MONDO:0012589, OMIM 610954.

Submission:

Labcorp Genetics (formerly Invitae), Labcorp
Classification: Pathogenic for Pitt-Hopkins syndrome. Last evaluated: 2023-11-04. Review status: criteria provided, single submitter. Criteria: Invitae Variant Classification Sherloc (09022015). Collection method: clinical testing. Allele origin: germline.
Comment: This sequence change creates a premature translational stop signal (p.Pro475Hisfs*13) in the TCF4 gene. It is expected to result in an absent or disrupted protein product. Loss-of-function variants in TCF4 are known to be pathogenic (PMID: 18728071, 22045651). This variant is not present in population databases (gnomAD no frequency). This variant has not been reported in the literature in individuals affected with TCF4-related conditions. For these reasons, this variant has been classified as Pathogenic.

Literature cited by the submitters: PubMed 18728071; PubMed 22045651.